The following is an entry in ClinVar:

ClinVar aggregate classification (germline): Pathogenic/Likely pathogenic. Review status: criteria provided, multiple submitters, no conflicts (2 of 4 stars). 18 submissions from 18 submitters: Pathogenic (11); Likely pathogenic (2). 5 of the submissions do not count toward it. Last evaluated 2026-06-29.

Conditions:
ACTL6B-related dominant intellectual disability.
Autism (AUTS). Also called: Autistic disorder of childhood onset; Autistic disorder. Identifiers: MedGen C0004352, MeSH D001321, MONDO:0005260, OMIM 209850, HP:0000717.
ACTL6B-related disorder. Also called: ACTL6B-related condition.
ACTL6B-related BAFopathy.
Intellectual developmental disorder with severe speech and ambulation defects. Identifiers: MedGen C5193115, MONDO:0032770, OMIM 618470.
Inborn genetic diseases. Identifiers: MedGen C0950123, MeSH D030342.
Intellectual disability. Also called: Intellectual functioning disability; intellectual disabilities; Intellectual developmental disorder. Identifiers: MedGen C3714756, MeSH D008607, MONDO:0001071, HP:0001249.

Submissions (18):

Laboratory of Medical Genetics, University of Torino
Classification: Pathogenic for Intellectual developmental disorder with severe speech and ambulation defects. Last evaluated: 2026-06-29. Review status: criteria provided, single submitter. Criteria: ACMG Guidelines, 2015. Collection method: clinical testing. Allele origin: de novo. Affected: yes.

Blueprint Genetics
Classification: Pathogenic for ACTL6B-related disorders. Last evaluated: 2023-04-03. Review status: criteria provided, single submitter. Criteria: ACMG Guidelines, 2015. Collection method: clinical testing. Allele origin: germline. Affected: yes. Observed: 2 variant alleles.

Ambry Genetics
Classification: Pathogenic for Inborn genetic diseases. Last evaluated: 2022-10-28. Review status: criteria provided, single submitter. Criteria: Ambry Variant Classification Scheme 2023. Collection method: clinical testing. Allele origin: germline.
Comment: The c.1027G>A (p.G343R) alteration is located in exon 12 (coding exon 12) of the ACTL6B gene. This alteration results from a G to A substitution at nucleotide position 1027, causing the glycine (G) at amino acid position 343 to be replaced by an arginine (R)._x000D_ _x000D_ Based on the available evidence, the ACTL6B c.1027G>A (p.G343R) alteration is classified as pathogenic for ACTL6B-related neurodevelopmental disorder; however, its clinical significance for ACTL6B-related developmental and epileptic encephalopathy is unclear. This variant was not reported in population-based cohorts in the Genome Aggregation Database (gnomAD). This variant has been determined to be the result of a de novo mutation or germline mosaicism in multiple individuals with clinical features of ACTL6B-related neurodevelopmental disorder (Bell, 2019). This amino acid position is highly conserved in available vertebrate species. The in silico prediction for this alteration is inconclusive. Based on the available evidence, this alteration is classified as pathogenic.

Victorian Clinical Genetics Services, Murdoch Childrens Research Institute
Classification: Pathogenic for Intellectual developmental disorder with severe speech and ambulation defects. Last evaluated: 2022-06-24. Review status: criteria provided, single submitter. Criteria: ACMG Guidelines, 2015. Collection method: clinical testing. Allele origin: germline. Inheritance: Autosomal dominant inheritance. Affected: yes.
Comment: Based on the classification scheme VCGS_Germline_v1.3.4, this variant is classified as Pathogenic. Following criteria are met: 0102 - Loss of function is a known mechanism of disease in this gene and is associated with autosomal recessive developmental and epileptic encephalopathy (MIM#618468). Gain of function is postulated for autosomal dominant intellectual developmental disorder with severe speech and ambulation defects (MIM#618470). (I) 0108 - This gene is associated with both recessive and dominant disease. While the genotype-phenotype correlation is currently unestablished, only two variants have been reported for the autosomal dominant condition, p.(Asp77Gly) and p.(Gly343Arg) (PMID: 31031012). (I) 0200 - Variant is predicted to result in a missense amino acid change from glycine to arginine. (I) 0251 - This variant is heterozygous. (I) 0301 - Variant is absent from gnomAD (both v2 and v3). (SP) 0501 - Missense variant consistently predicted to be damaging by multiple in silico tools or highly conserved with a major amino acid change. (SP) 0600 - Variant is located in the annotated actin domain (DECIPHER). (I) 0801 - This variant has strong previous evidence of pathogenicity in unrelated individuals. This variant has been classified as pathogenic by mulitple clinical laboratories in ClinVar and observed as de novo in several individuals with intellectual developmental disorder with severe speech and ambulation defects (MIM#618470; PMID: 31031012). (SP) Legend: (SP) - Supporting pathogenic, (I) - Information, (SB) - Supporting benign

GeneDx
Classification: Pathogenic. Last evaluated: 2022-05-04. Review status: criteria provided, single submitter. Criteria: GeneDx Variant Classification Process June 2021. Collection method: clinical testing. Allele origin: germline. Affected: yes.
Comment: In silico analysis supports that this missense variant has a deleterious effect on protein structure/function; Not observed at significant frequency in large population cohorts (gnomAD); In-silico analysis is inconclusive as to whether the variant alters gene splicing. In the absence of RNA/functional studies, the actual effect of this sequence change is unknown.; This variant is associated with the following publications: (PMID: 28135719, 28867141, 28628100, 31031012, 28191890, 26582918, 32873422, 32312822, 31036916, 34008892, 31785789)

Institute for Clinical Genetics, University Hospital TU Dresden, University Hospital TU Dresden
Classification: Likely pathogenic. Last evaluated: 2021-11-03. Review status: criteria provided, single submitter. Criteria: ACMG Guidelines, 2015. Collection method: clinical testing. Allele origin: germline.

Laboratory of Medical Genetics, National & Kapodistrian University of Athens
Classification: Pathogenic for Intellectual developmental disorder with severe speech and ambulation defects. Last evaluated: 2021-10-01. Review status: criteria provided, single submitter. Criteria: ACMG Guidelines, 2015. Collection method: clinical testing. Allele origin: unknown. Affected: yes.
Comment: PS3, PM2, PM6, PP3, PP4, PP5

Institute of Human Genetics, University of Leipzig Medical Center
Classification: Pathogenic for Intellectual developmental disorder with severe speech and ambulation defects. Last evaluated: 2021-09-15. Review status: criteria provided, single submitter. Criteria: ACMG Guidelines, 2015. Collection method: clinical testing. Allele origin: de novo. Affected: yes.
Comment: This variant was identified as de novo (maternity and paternity confirmed).

Baylor Genetics
Classification: Pathogenic for ACTL6B-related BAFopathy. Last evaluated: 2021-06-10. Review status: criteria provided, single submitter. Criteria: ACMG Guidelines, 2015. Collection method: clinical testing. Allele origin: de novo. Affected: yes.

Labcorp Genetics (formerly Invitae), Labcorp
Classification: Pathogenic. Last evaluated: 2020-07-23. Review status: criteria provided, single submitter. Criteria: Invitae Variant Classification Sherloc (09022015). Collection method: clinical testing. Allele origin: germline.
Comment: For these reasons, this variant has been classified as Pathogenic. This sequence change replaces glycine with arginine at codon 343 of the ACTL6B protein (p.Gly343Arg). The glycine residue is moderately conserved and there is a moderate physicochemical difference between glycine and arginine. This variant is not present in population databases (ExAC no frequency). This variant has been observed in individual(s) with a neurodevelopmental disorder with severe speech and ambulation defects (PMID: 31031012). In at least one individual the variant was observed to be de novo. ClinVar contains an entry for this variant (Variation ID: 430804). Algorithms developed to predict the effect of missense changes on protein structure and function are either unavailable or do not agree on the potential impact of this missense change (SIFT: "Deleterious"; PolyPhen-2: "Possibly Damaging"; Align-GVGD: "Class C0"). Algorithms developed to predict the effect of sequence changes on RNA splicing suggest that this variant may create or strengthen a splice site, but this prediction has not been confirmed by published transcriptional studies.

SIB Swiss Institute of Bioinformatics
Classification: Likely pathogenic for Intellectual developmental disorder with severe speech and ambulation defects. Last evaluated: 2019-07-28. Review status: criteria provided, single submitter. Criteria: ACMG Guidelines, 2015. Collection method: curation. Allele origin: unknown.
Comment: This variant is interpreted as a Likely pathogenic for Intellectual developmental disorder with severe speech and ambulation defects, autosomal dominant. The following ACMG Tag(s) were applied: PM2, PS4-Moderate, PM6, PP3.

HudsonAlpha Institute for Biotechnology
Classification: Pathogenic for Intellectual developmental disorder with severe speech and ambulation defects. Last evaluated: 2019-06-27. Review status: criteria provided, single submitter. Criteria: HA_PGEN_assertions_20170620. Collection method: research. Allele origin: de novo. Affected: yes. Observed: 1 variant allele.

Equipe Genetique des Anomalies du Developpement, Université de Bourgogne
Classification: Pathogenic for Intellectual disability. Review status: criteria provided, single submitter. Criteria: ACMG Guidelines, 2015. Collection method: clinical testing. Allele origin: unknown. Affected: yes.

Molecular Genetics laboratory, Necker Hospital
Classification: Pathogenic. Last evaluated: 2023-01-20. Review status: no assertion criteria provided. Collection method: clinical testing. Allele origin: de novo. Affected: yes. Not counted in ClinVar's aggregate classification.

Solve-RD Consortium
Classification: Likely pathogenic for Intellectual developmental disorder with severe speech and ambulation defects. Last evaluated: 2022-06-01. Review status: no assertion criteria provided. Collection method: provider interpretation. Allele origin: inherited. Affected: yes. Not counted in ClinVar's aggregate classification.
Comment: Variant confirmed as disease-causing by referring clinical team

Variant identified during reanalysis of unsolved cases by the Solve-RD project. The Solve-RD project has received funding from the European Union’s Horizon 2020 research and innovation programme under grant agreement No 779257.

OMIM
Classification: Pathogenic for INTELLECTUAL DEVELOPMENTAL DISORDER WITH SEVERE SPEECH AND AMBULATION DEFECTS. Last evaluated: 2019-06-19. Review status: no assertion criteria provided. Collection method: literature only. Allele origin: germline. Not counted in ClinVar's aggregate classification.

CHU Sainte-Justine Research Center, University of Montreal
Classification: Likely pathogenic for ACTL6B-related dominant intellectual disability; Autism. Last evaluated: 2019-03-01. Review status: no assertion criteria provided. Collection method: research. Allele origin: germline. Affected: yes. Not counted in ClinVar's aggregate classification.

Centre for Mendelian Genomics, University Medical Centre Ljubljana
Classification: Uncertain significance for Intellectual developmental disorder with severe speech and ambulation defects. Last evaluated: 2018-11-30. Review status: flagged submission. Criteria: ACMG Guidelines, 2015. Collection method: clinical testing. Allele origin: unknown. Affected: yes. Not counted in ClinVar's aggregate classification.
Comment: This variant was classified as: Uncertain significance. The available evidence favors the pathogenic nature of this variant, however the currently available data is insufficient to conclusively support its pathogenic nature. Thus this variant is classified as Uncertain significance - favor pathogenic. The following ACMG criteria were applied in classifying this variant: PM2,PP3,PP5.
ClinVar note: Reason: Outlier claim with insufficient supporting evidence

Literature cited by the submitters: PubMed 31031012 (cited by 5 submitters); PubMed 34008892 (cited by Laboratory of Medical Genetics, National & Kapodistrian University of Athens); PubMed 39825153 (cited by Solve-RD Consortium).

NM_016188.5(ACTL6B):c.1027G>A (p.Gly343Arg)

Gene: ACTL6B (actin like 6B; minus strand). Cytogenetic location: 7q22.1.
Variant type: single nucleotide variant.
Coding change: c.1027G>A on transcript NM_016188.5 (MANE Select); coding-DNA position 1027, G replaced by A.
Protein change: p.Gly343Arg; replaces glycine 343 with arginine.
Molecular consequence: missense variant. On other transcripts: non-coding transcript variant (1).
Genome position (GRCh38, 1-based): chr7:100,646,637, C>T on the plus strand (G>A on the coding strand, the complement: ACTL6B is on the minus strand). VCF-style: chr7-100646637-C-T. GRCh37 (hg19) VCF-style: chr7-100244260-C-T.
Other names: short protein forms G343R.
Identifiers: ClinVar variation 430804 (VCV000430804.37), dbSNP rs1131692228, ClinGen allele CA368542366.